The following is an entry in ClinVar:

NM_022893.4(BCL11A):c.1565C>G (p.Ala522Gly)

Gene: BCL11A (BCL11 transcription factor A; minus strand). Cytogenetic location: 2p16.1.
Variant type: single nucleotide variant.
Coding change: c.1565C>G on transcript NM_022893.4 (MANE Select); coding-DNA position 1565, C replaced by G.
Protein change: p.Ala522Gly; replaces alanine 522 with glycine.
Molecular consequence: missense variant. On other transcripts: intron variant (6).
Genome position (GRCh38, 1-based): chr2:60,461,347, G>C on the plus strand (C>G on the coding strand, the complement: BCL11A is on the minus strand). VCF-style: chr2-60461347-G-C. GRCh37 (hg19) VCF-style: chr2-60688482-G-C.
Other names: c.1463C>G, p.Ala488Gly (NM_001363864.1, NM_001365609.1, NM_001405711.1 and 2 more transcripts); c.1565C>G, p.Ala522Gly (NM_001405708.1, NM_001405709.1, NM_001405710.1 and 1 more transcripts); c.1409C>G, p.Ala470Gly (NM_001405713.1, NM_001405714.1, NM_001405715.1 and 3 more transcripts); c.1307C>G, p.Ala436Gly (NM_001405717.1, NM_001405718.1, NM_001405724.1); c.1232C>G, p.Ala411Gly (NM_001405720.1, NM_001405721.1); c.1109C>G, p.Ala370Gly (NM_001405725.1, NM_001405726.1, NM_001405727.1 and 1 more transcripts); c.872C>G, p.Ala291Gly (NM_001405729.1); c.1028C>G, p.Ala343Gly (NM_001405730.1); and 5 more; short protein forms A191G, A291G, A343G, A370G, A411G, A436G, A470G, A488G.
Identifiers: ClinVar variation 3377581 (VCV003377581.1).

ClinVar aggregate classification (germline): Uncertain significance (1 of 4 stars; one submission).

Conditions:
Dias-Logan syndrome. Also called: Intellectual developmental disorder with persistence of fetal hemoglobin; INTELLECTUAL DEVELOPMENTAL DISORDER WITH HEREDITARY PERSISTENCE OF FETAL HEMOGLOBIN. Identifiers: Orphanet 619233, MedGen C4310833, MONDO:0014914, OMIM 617101.

Submission:

Neuberg Centre For Genomic Medicine, NCGM
Classification: Uncertain significance for Dias-Logan syndrome. Last evaluated: 2023-06-22. Review status: criteria provided, single submitter. Criteria: ACMG Guidelines, 2015. Collection method: clinical testing. Allele origin: germline. Inheritance: Autosomal dominant inheritance. Affected: yes.
Comment: The observed missense c.1565C>G(p.Ala522Gly) variant in BCL11A gene has not been reported previously as a pathogenic variant nor as a benign variant, to our knowledge. This variant is absent in gnomAD Exomes. The amino acid Ala at position 522 is changed to a Gly changing protein sequence and it might alter its composition and physico-chemical properties. The amino acid change p.Ala522Gly in BCL11A is predicted as conserved by GERP++ and PhyloP across 100 vertebrates. Computational evidence (Polyphen - Damaging / Benign, SIFT - Tolerated, and MutationTaster - Disease causing) predicts conflicting evidence on protein structure and function for this variant. For these reasons, this variant has been classified as Uncertain Significance.